The following is an entry in ClinVar:

ClinVar aggregate classification (germline): Uncertain significance (1 of 4 stars; one submission).

Conditions:
Hereditary cancer-predisposing syndrome. Also called: Hereditary Cancer Syndrome; Hereditary neoplastic syndrome; Neoplastic Syndromes, Hereditary; Tumor predisposition. Identifiers: Orphanet 140162, MedGen C0027672, MeSH D009386, MONDO:0015356.

gnomAD v4.1: 1 of 1,332,950 alleles (0.000075%); highest among the groups gnomAD compares: Non-Finnish European, 0.0001%; no homozygotes.

Submission:

Ambry Genetics
Classification: Uncertain significance for Hereditary cancer-predisposing syndrome. Last evaluated: 2022-06-17. Review status: criteria provided, single submitter. Criteria: Ambry Variant Classification Scheme 2023. Collection method: clinical testing. Allele origin: germline.
Comment: The p.R467L variant (also known as c.1400G>T), located in coding exon 15 of the RB1 gene, results from a G to T substitution at nucleotide position 1400. The arginine at codon 467 is replaced by leucine, an amino acid with dissimilar properties. This amino acid position is conserved. In addition, this alteration is predicted to be deleterious by in silico analysis. Since supporting evidence is limited at this time, the clinical significance of this alteration remains unclear.

NM_000321.3(RB1):c.1400G>T (p.Arg467Leu)

Gene: RB1 (RB transcriptional corepressor 1; plus strand). Cytogenetic location: 13q14.2.
Variant type: single nucleotide variant.
Coding change: c.1400G>T on transcript NM_000321.3 (MANE Select); coding-DNA position 1400, G replaced by T.
Protein change: p.Arg467Leu; replaces arginine 467 with leucine.
Molecular consequence: missense variant.
Genome position (GRCh38, 1-based): chr13:48,380,063, G>T. VCF-style: chr13-48380063-G-T. GRCh37 (hg19) VCF-style: chr13-48954199-G-T.
Other names: c.1400G>T, p.Arg467Leu (NM_001407165.1, NM_001407166.1); short protein forms R467L.
Identifiers: ClinVar variation 1771795 (VCV001771795.2), dbSNP rs1948519905, ClinGen allele CA388162693.
Genomic context (GRCh38, chr13:48,380,063, plus strand): 5'-AGGTTTCAATTAAACAACTTCTTTTTTTTTTTTTAAATTATCTGTTTCAGGAAGAAGAAC[G>T]ATTATCCATTCAAAATTTTAGGTAAATTTTTTACTTTTAGTAAAAAATTTTTTTCTTTTT-3'
Protein context (NP_000312.2, residues 457-477): MESMLKSEEE[Arg467Leu]LSIQNFSKLL